The following is an entry in ClinVar:

NM_181078.3(IL21R):c.715C>A (p.Leu239Met)

Gene: IL21R (interleukin 21 receptor; plus strand). Cytogenetic location: 16p12.1.
Variant type: single nucleotide variant.
Coding change: c.715C>A on transcript NM_181078.3 (MANE Select); coding-DNA position 715, C replaced by A.
Protein change: p.Leu239Met; replaces leucine 239 with methionine.
Molecular consequence: missense variant.
Genome position (GRCh38, 1-based): chr16:27,445,206, C>A. VCF-style: chr16-27445206-C-A. GRCh37 (hg19) VCF-style: chr16-27456527-C-A.
Other names: c.715C>A, p.Leu239Met (NM_021798.4); c.781C>A, p.Leu261Met (NM_181079.5); short protein forms L261M, L239M.
Identifiers: ClinVar variation 1498506 (VCV001498506.8), dbSNP rs2141311074, ClinGen allele CA395304265.

ClinVar aggregate classification (germline): Uncertain significance (1 of 4 stars; one submission).

Conditions:
Cryptosporidiosis-chronic cholangitis-liver disease syndrome. Also called: IL21R immunodeficiency; Immunodeficiency type 56. Identifiers: Orphanet 357329, MedGen C3554687, MONDO:0014082, OMIM 615207.

Submission:

Labcorp Genetics (formerly Invitae), Labcorp
Classification: Uncertain significance for Cryptosporidiosis-chronic cholangitis-liver disease syndrome. Last evaluated: 2020-12-28. Review status: criteria provided, single submitter. Criteria: Invitae Variant Classification Sherloc (09022015). Collection method: clinical testing. Allele origin: germline.
Comment: This sequence change replaces leucine with methionine at codon 239 of the IL21R protein (p.Leu239Met). The leucine residue is moderately conserved and there is a small physicochemical difference between leucine and methionine. In summary, the available evidence is currently insufficient to determine the role of this variant in disease. Therefore, it has been classified as a Variant of Uncertain Significance. Algorithms developed to predict the effect of missense changes on protein structure and function are either unavailable or do not agree on the potential impact of this missense change (SIFT: "Deleterious"; PolyPhen-2: "Probably Damaging"; Align-GVGD: "Class C0"). This variant has not been reported in the literature in individuals with IL21R-related conditions. This variant is not present in population databases (ExAC no frequency).